The following is an entry in ClinVar:

ClinVar aggregate classification (germline): Likely benign (1 of 4 stars; one submission).

Conditions:
Autosomal recessive limb-girdle muscular dystrophy type 2N. Also called: Muscular dystrophy-dystroglycanopathy (limb-girdle), type C, 2; MUSCULAR DYSTROPHY-DYSTROGLYCANOPATHY, LIMB-GIRDLE, POMT2-RELATED. Identifiers: Orphanet 206559, MedGen C3150418, MONDO:0013162, OMIM 613158.

Allele frequency attached by ClinVar (database versions not stated): TOPMed 0.00975; 1000 Genomes Project 0.01078; 1000 Genomes Project 30x 0.01249.

Submission:

Illumina Laboratory Services, Illumina
Classification: Likely benign for Autosomal recessive limb-girdle muscular dystrophy type 2N. Last evaluated: 2018-01-12. Review status: criteria provided, single submitter. Criteria: ICSL Variant Classification Criteria 13 December 2019. Collection method: clinical testing. Allele origin: germline.
Comment: This variant was observed in the ICSL laboratory as part of a predisposition screen in an ostensibly healthy population. It had not been previously curated by ICSL or reported in the Human Gene Mutation Database (HGMD: prior to June 1st, 2018), and was therefore a candidate for classification through an automated scoring system. Utilizing variant allele frequency, disease prevalence and penetrance estimates, and inheritance mode, an automated score was calculated to assess if this variant is too frequent to cause the disease. Based on the score and internal cut-off values, a variant classified as likely benign is not then subjected to further curation. The score for this variant resulted in a classification of likely benign for this disease.

NM_013382.7(POMT2):c.*1893G>A

Gene: POMT2 (protein O-mannosyltransferase 2; minus strand). Cytogenetic location: 14q24.3.
Variant type: single nucleotide variant.
Coding change: c.*1893G>A on transcript NM_013382.7 (MANE Select); 1893 bases downstream of the stop codon, G replaced by A.
Molecular consequence: 3 prime UTR variant.
Genome position (GRCh38, 1-based): chr14:77,275,483, C>T on the plus strand (G>A on the coding strand, the complement: POMT2 is on the minus strand). VCF-style: chr14-77275483-C-T. GRCh37 (hg19) VCF-style: chr14-77741826-C-T.
Identifiers: ClinVar variation 886564 (VCV000886564.4), dbSNP rs114623446, ClinGen allele CA263809369.